The following is an entry in ClinVar:

NM_001165963.4(SCN1A):c.4941dup (p.Arg1648fs)

Genes: SCN1A (sodium voltage-gated channel alpha subunit 1; minus strand), LOC102724058 (uncharacterized LOC102724058; plus strand). Cytogenetic location: 2q24.3.
Variant type: Duplication.
Coding change: c.4941dup on transcript NM_001165963.4 (MANE Select); coding-DNA position 4941, one base duplicated (A; older notation c.4941dupA).
Protein change: p.Arg1648fs; shifts the reading frame from arginine 1648.
Molecular consequence: frameshift variant. On other transcripts: non-coding transcript variant (1).
Genome position (GRCh38, 1-based): chr2:165,992,334, T duplicated on the plus strand (A on the coding strand, the reverse complement: SCN1A is on the minus strand). VCF-style (leftmost placement, unchanged base first): chr2-165992333-G-GT. GRCh37 (hg19) VCF-style: chr2-166848843-G-GT.
Other names: c.4857dup, p.Arg1620fs (NM_001165964.3, NM_001353957.2, NM_001353958.2); c.4941dup, p.Arg1648fs (NM_001202435.3, NM_001353948.2); c.4908dup, p.Arg1637fs (NM_001353949.2, NM_001353950.2, NM_001353951.2 and 2 more transcripts); c.4905dup, p.Arg1636fs (NM_001353954.2, NM_001353955.2); c.4854dup, p.Arg1619fs (NM_001353960.2); c.2499dup, p.Arg834fs (NM_001353961.2); short protein forms R1636fs, R834fs, R1637fs, R1648fs, R1619fs, R1620fs.
Identifiers: ClinVar variation 4721021 (VCV004721021.1).

ClinVar aggregate classification (germline): Pathogenic (1 of 4 stars; one submission).

Conditions:
Early-infantile DEE. Also called: Early infantile epileptic encephalopathy with suppression bursts; Early infantile epileptic encephalopathy; Ohtahara syndrome. Identifiers: Orphanet 1934, MedGen C0393706, MONDO:0800491.

Submission:

Labcorp Genetics (formerly Invitae), Labcorp
Classification: Pathogenic for Early-infantile DEE. Last evaluated: 2025-06-09. Review status: criteria provided, single submitter. Criteria: Invitae Variant Classification Sherloc (09022015). Collection method: clinical testing. Allele origin: germline.
Comment: This sequence change creates a premature translational stop signal (p.Arg1648Thrfs*25) in the SCN1A gene. While this is not anticipated to result in nonsense mediated decay, it is expected to disrupt the last 362 amino acid(s) of the SCN1A protein. This variant is not present in population databases (gnomAD no frequency). This variant has not been reported in the literature in individuals affected with SCN1A-related conditions. This variant disrupts a region of the SCN1A protein in which other variant(s) (p.Arg1988Trp) have been determined to be pathogenic (PMID: 23708187; internal data). This suggests that this is a clinically significant region of the protein, and that variants that disrupt it are likely to be disease-causing. For these reasons, this variant has been classified as Pathogenic.

Literature cited by the submitters: PubMed 23708187.